The following is an entry in ClinVar:

NM_000426.4(LAMA2):c.5071+211C>T

Gene: LAMA2 (laminin subunit alpha 2; plus strand). Cytogenetic location: 6q22.33.
Variant type: single nucleotide variant.
Coding change: c.5071+211C>T on transcript NM_000426.4 (MANE Select); 211 bases into the intron after coding-DNA position 5071, C replaced by T.
Molecular consequence: intron variant.
Genome position (GRCh38, 1-based): chr6:129,383,444, C>T. VCF-style: chr6-129383444-C-T. GRCh37 (hg19) VCF-style: chr6-129704589-C-T.
Other names: c.5071+211C>T (NM_001079823.2).
Identifiers: ClinVar variation 682920 (VCV000682920.1), dbSNP rs2437089, ClinGen allele CA146925325.

ClinVar aggregate classification (germline): Benign (1 of 4 stars; one submission).

Allele frequency attached by ClinVar (database versions not stated): 1000 Genomes Project 0.82448; 1000 Genomes Project 30x 0.82464; gnomAD 0.83731 and 0.83757; TOPMed 0.83804.
gnomAD v4.1: 127,389 of 152,194 alleles (84%); highest among the groups gnomAD compares: Admixed American, 88%; 53,331 homozygotes.

Submission:

GeneDx
Classification: Benign. Last evaluated: 2018-06-14. Review status: criteria provided, single submitter. Criteria: GeneDx Variant Classification (06012015). Collection method: clinical testing. Allele origin: germline. Affected: yes.
Comment: This variant is considered likely benign or benign based on one or more of the following criteria: it is a conservative change, it occurs at a poorly conserved position in the protein, it is predicted to be benign by multiple in silico algorithms, and/or has population frequency not consistent with disease.